The following is an entry in ClinVar:

NM_000435.3(NOTCH3):c.278_279delinsTG (p.Cys93Leu)

Gene: NOTCH3 (notch receptor 3; minus strand). Cytogenetic location: 19p13.12.
Variant type: Indel.
Coding change: c.278_279delinsTG on transcript NM_000435.3 (MANE Select); coding-DNA positions 278 to 279, GC replaced by TG.
Protein change: p.Cys93Leu; replaces cysteine 93 with leucine.
Molecular consequence: missense variant.
Genome position (GRCh38, 1-based): chr19:15,192,438-15,192,439, GC replaced by CA on the plus strand (GC replaced by TG on the coding strand, the reverse complement: NOTCH3 is on the minus strand). VCF-style: chr19-15192438-GC-CA. GRCh37 (hg19) VCF-style: chr19-15303249-GC-CA.
Other names: short protein forms C93L.
Identifiers: ClinVar variation 4712656 (VCV004712656.1).

ClinVar aggregate classification (germline): Uncertain significance (1 of 4 stars; one submission).

Submission:

Labcorp Genetics (formerly Invitae), Labcorp
Classification: Uncertain significance. Last evaluated: 2025-02-09. Review status: criteria provided, single submitter. Criteria: Invitae Variant Classification Sherloc (09022015). Collection method: clinical testing. Allele origin: germline.
Comment: This sequence change replaces cysteine, which is neutral and slightly polar, with leucine, which is neutral and non-polar, at codon 93 of the NOTCH3 protein (p.Cys93Leu). Information on the frequency of this variant in the gnomAD database is not available, as this variant may be reported differently in the database. This variant has not been reported in the literature in individuals affected with NOTCH3-related conditions. An algorithm developed to predict the effect of missense changes on protein structure and function (PolyPhen-2) suggests that this variant is likely to be disruptive. This variant disrupts the p.Cys93 amino acid residue in NOTCH3. Other variant(s) that disrupt this residue have been observed in individuals with NOTCH3-related conditions (PMID: 10854111; internal data), which suggests that this may be a clinically significant amino acid residue. In summary, the available evidence is currently insufficient to determine the role of this variant in disease. Therefore, it has been classified as a Variant of Uncertain Significance.

Literature cited by the submitters: PubMed 10854111.